The following is an entry in ClinVar:

ClinVar aggregate classification (germline): Uncertain significance (1 of 4 stars; one submission).

gnomAD v4.1: 8 of 1,580,688 alleles (0.00051%); highest among the groups gnomAD compares: Non-Finnish European, 0.00069%; no homozygotes.

Submission:

GeneDx
Classification: Uncertain significance. Last evaluated: 2017-05-17. Review status: criteria provided, single submitter. Criteria: GeneDx Variant Classification (06012015). Collection method: clinical testing. Allele origin: germline. Affected: yes.
Comment: The P2186A variant in the KMT2B gene has not been reported previously as a pathogenic variant, nor as a benign variant, to our knowledge. The P2186A variant is not observed in large population cohorts (Lek et al., 2016; 1000 Genomes Consortium et al., 2015; Exome Variant Server). The P2186A variant is a semi-conservative amino acid substitution, which may impact secondary protein structure as these residues differ in some properties. This substitution occurs at a position that is conserved in mammals. In silico analysis is inconsistent in its predictions as to whether or not the variant is damaging to the protein structure/function. We interpret P2186A as a variant of uncertain significance.

NM_014727.3(KMT2B):c.6556C>G (p.Pro2186Ala)

Gene: KMT2B (lysine methyltransferase 2B; plus strand). Cytogenetic location: 19q13.12.
Variant type: single nucleotide variant.
Coding change: c.6556C>G on transcript NM_014727.3 (MANE Select); coding-DNA position 6556, C replaced by G.
Protein change: p.Pro2186Ala; replaces proline 2186 with alanine.
Molecular consequence: missense variant.
Genome position (GRCh38, 1-based): chr19:35,733,105, C>G. VCF-style: chr19-35733105-C-G. GRCh37 (hg19) VCF-style: chr19-36224006-C-G.
Other names: short protein forms P2186A.
Identifiers: ClinVar variation 430116 (VCV000430116.2), dbSNP rs1131691790, ClinGen allele CA405429273.